The following is an entry in ClinVar:

NM_001457.4(FLNB):c.7539C>A (p.Ser2513Arg)

Genes: FLNB (filamin B; plus strand), FLNB-AS1 (FLNB antisense RNA 1; minus strand). Cytogenetic location: 3p14.3.
Variant type: single nucleotide variant.
Coding change: c.7539C>A on transcript NM_001457.4 (MANE Select); coding-DNA position 7539, C replaced by A.
Protein change: p.Ser2513Arg; replaces serine 2513 with arginine.
Molecular consequence: missense variant.
Genome position (GRCh38, 1-based): chr3:58,169,711, C>A. VCF-style: chr3-58169711-C-A. GRCh37 (hg19) VCF-style: chr3-58155438-C-A.
Other names: c.7632C>A, p.Ser2544Arg (NM_001164317.2); c.7506C>A, p.Ser2502Arg (NM_001164318.2); c.7467C>A, p.Ser2489Arg (NM_001164319.2); short protein forms S2489R, S2513R, S2502R, S2544R.
Identifiers: ClinVar variation 2842914 (VCV002842914.3), dbSNP rs2471277528, ClinGen allele CA353335491.

ClinVar aggregate classification (germline): Uncertain significance (1 of 4 stars; one submission).

Submission:

Labcorp Genetics (formerly Invitae), Labcorp
Classification: Uncertain significance. Last evaluated: 2023-03-04. Review status: criteria provided, single submitter. Criteria: Invitae Variant Classification Sherloc (09022015). Collection method: clinical testing. Allele origin: germline.
Comment: This sequence change replaces serine, which is neutral and polar, with arginine, which is basic and polar, at codon 2513 of the FLNB protein (p.Ser2513Arg). This variant is not present in population databases (gnomAD no frequency). This variant has not been reported in the literature in individuals affected with FLNB-related conditions. Advanced modeling of protein sequence and biophysical properties (such as structural, functional, and spatial information, amino acid conservation, physicochemical variation, residue mobility, and thermodynamic stability) performed at Invitae indicates that this missense variant is not expected to disrupt FLNB protein function. In summary, the available evidence is currently insufficient to determine the role of this variant in disease. Therefore, it has been classified as a Variant of Uncertain Significance.